The following is an entry in ClinVar:

ClinVar aggregate classification (germline): Pathogenic/Likely pathogenic. Review status: criteria provided, multiple submitters, no conflicts (2 of 4 stars). 3 submissions from 3 submitters: Pathogenic (1); Likely pathogenic (1). 1 of the submissions does not count toward it. Last evaluated 2026-02-01.

Conditions:
Congenital disorder of glycosylation, type Iw, autosomal dominant (CDG1WAD). Identifiers: MedGen C5562068, MONDO:0859223, OMIM 619714.

Submissions (3):

GeneDx
Classification: Pathogenic. Last evaluated: 2026-02-01. Review status: criteria provided, single submitter. Criteria: GeneDx Variant Classification Process June 2021. Collection method: clinical testing. Allele origin: germline.
Comment: Not observed at significant frequency in large population cohorts (gnomAD); In silico analysis supports that this missense variant has a deleterious effect on protein structure/function; In silico analysis suggests this variant may impact gene splicing. In the absence of RNA/functional studies, the actual effect of this sequence change is unknown.; This variant is associated with the following publications: (PMID: 34653363)

SIB Swiss Institute of Bioinformatics
Classification: Likely pathogenic for Congenital disorder of glycosylation, type Iw, autosomal dominant. Last evaluated: 2022-06-16. Review status: criteria provided, single submitter. Criteria: ACMG Guidelines, 2015. Collection method: curation. Allele origin: unknown.
Comment: This variant is interpreted as likely pathogenic for congenital disorder of glycosylation 1W, autosomal dominant. The following ACMG Tag(s) were applied: Absent from controls (or at extremely low frequency if recessive) in Exome Sequencing Project, 1000 Genomes Project, or Exome Aggregation Consortium (PM2); De novo paternity and maternity confirmed (PS2); Multiple lines of computational evidence support a deleterious effect on the gene or gene product (PP3); Well-established functional studies show a deleterious effect (PS3 downgraded to moderate).

OMIM
Classification: Pathogenic for CONGENITAL DISORDER OF GLYCOSYLATION, TYPE Iw, AUTOSOMAL DOMINANT. Last evaluated: 2022-01-20. Review status: no assertion criteria provided. Collection method: literature only. Allele origin: germline. Not counted in ClinVar's aggregate classification.

Literature cited by the submitters: PubMed 34653363 (cited by SIB Swiss Institute of Bioinformatics and OMIM).

NM_152713.5(STT3A):c.137A>G (p.His46Arg)

Gene: STT3A (STT3 oligosaccharyltransferase complex catalytic subunit A; plus strand). Cytogenetic location: 11q24.2.
Variant type: single nucleotide variant.
Coding change: c.137A>G on transcript NM_152713.5 (MANE Select); coding-DNA position 137, A replaced by G.
Protein change: p.His46Arg; replaces histidine 46 with arginine.
Molecular consequence: missense variant. On other transcripts: 5 prime UTR variant (1).
Genome position (GRCh38, 1-based): chr11:125,597,107, A>G. VCF-style: chr11-125597107-A-G. GRCh37 (hg19) VCF-style: chr11-125467002-A-G.
Other names: c.137A>G, p.His46Arg (NM_001278503.2); c.-140A>G (NM_001278504.2); short protein forms H46R.
Identifiers: ClinVar variation 1334778 (VCV001334778.4), dbSNP rs2135904246, ClinGen allele CA383181105.